The following is an entry in ClinVar:

NM_015178.3(RHOBTB2):c.1198A>G (p.Met400Val)

Gene: RHOBTB2 (Rho related BTB domain containing 2; plus strand). Cytogenetic location: 8p21.3.
Variant type: single nucleotide variant.
Coding change: c.1198A>G on transcript NM_015178.3 (MANE Select); coding-DNA position 1198, A replaced by G.
Protein change: p.Met400Val; replaces methionine 400 with valine.
Molecular consequence: missense variant.
Genome position (GRCh38, 1-based): chr8:23,007,443, A>G. VCF-style: chr8-23007443-A-G. GRCh37 (hg19) VCF-style: chr8-22864956-A-G.
Other names: c.1264A>G, p.Met422Val (NM_001160036.2); c.1219A>G, p.Met407Val (NM_001160037.2); c.1198A>G, p.Met400Val (NM_001374791.1); short protein forms M400V, M407V, M422V.
Identifiers: ClinVar variation 2177400 (VCV002177400.4), dbSNP rs763318462, ClinGen allele CA4672628.

ClinVar aggregate classification (germline): Uncertain significance (1 of 4 stars; one submission).

Allele frequency attached by ClinVar (database versions not stated): gnomAD exomes 0.00001; ExAC 0.00002.
gnomAD v4.1: 8 of 1,614,162 alleles (0.0005%); highest among the groups gnomAD compares: Admixed American, 0.0017%; no homozygotes.

Submission:

Labcorp Genetics (formerly Invitae), Labcorp
Classification: Uncertain significance. Last evaluated: 2024-04-25. Review status: criteria provided, single submitter. Criteria: Invitae Variant Classification Sherloc (09022015). Collection method: clinical testing. Allele origin: germline.
Comment: This sequence change replaces methionine, which is neutral and non-polar, with valine, which is neutral and non-polar, at codon 422 of the RHOBTB2 protein (p.Met422Val). This variant is present in population databases (rs763318462, gnomAD 0.003%). This variant has not been reported in the literature in individuals affected with RHOBTB2-related conditions. ClinVar contains an entry for this variant (Variation ID: 2177400). Advanced modeling of protein sequence and biophysical properties (such as structural, functional, and spatial information, amino acid conservation, physicochemical variation, residue mobility, and thermodynamic stability) performed at Invitae indicates that this missense variant is not expected to disrupt RHOBTB2 protein function with a negative predictive value of 80%. In summary, the available evidence is currently insufficient to determine the role of this variant in disease. Therefore, it has been classified as a Variant of Uncertain Significance.